The following is an entry in ClinVar:

NM_001365276.2(TNXB):c.9440-19C>G

Gene: TNXB (tenascin XB; minus strand). Cytogenetic location: 6p21.33.
Variant type: single nucleotide variant.
Coding change: c.9440-19C>G on transcript NM_001365276.2 (MANE Select); 19 bases into the intron before coding-DNA position 9440, C replaced by G.
Molecular consequence: intron variant.
Genome position (GRCh38, 1-based): chr6:32,049,606, G>C on the plus strand (C>G on the coding strand, the complement: TNXB is on the minus strand). VCF-style: chr6-32049606-G-C. GRCh37 (hg19) VCF-style: chr6-32017383-G-C.
Other names: c.9434-19C>G (NM_019105.8); c.10181-19C>G (NM_001428335.1).
Identifiers: ClinVar variation 5039303 (VCV005039303.1).

ClinVar aggregate classification (germline): Uncertain significance (1 of 4 stars; one submission).

gnomAD v4.1: 74 of 1,604,314 alleles (0.0046%); highest among the groups gnomAD compares: Non-Finnish European, 0.0058%; no homozygotes.

Submission:

CeGaT Center for Human Genetics Tuebingen
Classification: Uncertain significance. Last evaluated: 2026-08-01. Review status: criteria provided, single submitter. Criteria: CeGaT Center For Human Genetics Tuebingen Variant Classification Criteria Version 2. Collection method: clinical testing. Allele origin: germline. Affected: yes. Observed: 1 variant allele.
Comment: TNXB: PM2